The following is an entry in ClinVar:

ClinVar aggregate classification (germline): Pathogenic (1 of 4 stars; one submission).

Submission:

Labcorp Genetics (formerly Invitae), Labcorp
Classification: Pathogenic. Last evaluated: 2020-10-08. Review status: criteria provided, single submitter. Criteria: Invitae Variant Classification Sherloc (09022015). Collection method: clinical testing. Allele origin: germline.
Comment: Disruption of this splice site has been observed in individual(s) with Alport syndrome (PMID: 30577881, Invitae). This variant is not present in population databases (ExAC no frequency). This sequence change affects an acceptor splice site in intron 26 of the COL4A5 gene. It is expected to disrupt RNA splicing and likely results in an absent or disrupted protein product. Algorithms developed to predict the effect of sequence changes on RNA splicing suggest that this variant may disrupt the consensus splice site, but this prediction has not been confirmed by published transcriptional studies. Donor and acceptor splice site variants typically lead to a loss of protein function (PMID: 16199547), and loss-of-function variants in COL4A5 are known to be pathogenic (PMID: 9195222, 10752524, 14514738, 24854265, 26809805). For these reasons, this variant has been classified as Pathogenic.

Literature cited by the submitters: PubMed 30577881; PubMed 16199547; PubMed 9195222; PubMed 10752524; PubMed 14514738; PubMed 24854265; PubMed 26809805.

NM_033380.3(COL4A5):c.2042-1G>A

Gene: COL4A5 (collagen type IV alpha 5 chain; plus strand). Cytogenetic location: Xq22.3.
Variant type: single nucleotide variant.
Coding change: c.2042-1G>A on transcript NM_033380.3 (MANE Select); the canonical splice acceptor site of the intron before coding-DNA position 2042, G replaced by A.
Molecular consequence: splice acceptor variant.
Genome position (GRCh38, 1-based): chrX:108,601,884, G>A. VCF-style: chrX-108601884-G-A. GRCh37 (hg19) VCF-style: chrX-107845114-G-A.
Other names: c.2042-1G>A (NM_000495.5).
Identifiers: ClinVar variation 1071493 (VCV001071493.9), dbSNP rs2147820825, ClinGen allele CA413846891.